The following is an entry in ClinVar:

NM_017780.4(CHD7):c.7171G>T (p.Ala2391Ser)

Gene: CHD7 (chromodomain helicase DNA binding protein 7; plus strand). Cytogenetic location: 8q12.2.
Variant type: single nucleotide variant.
Coding change: c.7171G>T on transcript NM_017780.4 (MANE Select); coding-DNA position 7171, G replaced by T.
Protein change: p.Ala2391Ser; replaces alanine 2391 with serine.
Molecular consequence: missense variant. On other transcripts: intron variant (1).
Genome position (GRCh38, 1-based): chr8:60,856,451, G>T. VCF-style: chr8-60856451-G-T. GRCh37 (hg19) VCF-style: chr8-61769010-G-T.
Other names: c.1717-5778G>T (NM_001316690.1); c.7171G>T (NM_017780.3); short protein forms A2391S.
Identifiers: ClinVar variation 2725499 (VCV002725499.5), dbSNP rs1425669718, ClinGen allele CA371299730.
Genomic context (GRCh38, chr8:60,856,451, plus strand): 5'-TAGCAGTACTGTTTTGGCTCACTGCAACTCTGTTCTGTTGGAATTTTTCAATAGGAAGAT[G>T]CCCTCAACCTCTCTGTCCCTCGCCAGCGGAGGAGGAGGAGGAGAAAAATCGAAATTGAGG-3'
Protein context (NP_060250.2, residues 2381-2401): TTSPQLSKED[Ala2391Ser]LNLSVPRQRR

ClinVar aggregate classification (germline): Conflicting classifications of pathogenicity. Review status: criteria provided, conflicting classifications (1 of 4 stars). 3 submissions from 3 submitters: Uncertain significance (2); Likely benign (1). Last evaluated 2026-07-23.

Conditions:
CHD7-related disorder. Also called: CHD7-related condition.
Hypogonadotropic hypogonadism 5 with or without anosmia (KAL5). Also called: CHD7-Related GnRH Deficiency (Kallmann Syndrome 5); HYPOGONADOTROPIC HYPOGONADISM 5 WITH ANOSMIA; HYPOGONADOTROPHIC HYPOGONADISM 5 WITHOUT ANOSMIA. Identifiers: Orphanet 478, MedGen C3552553, MONDO:0012880, OMIM 612370. Disease mechanism: loss of function.
CHARGE syndrome (CHARGE). Also called: Hittner Hirsch Kreh syndrome; CHARGE ASSOCIATION--COLOBOMA, HEART ANOMALY, CHOANAL ATRESIA, RETARDATION, GENITAL AND EAR ANOMALIES; Coloboma, heart anomaly, choanal atresia, retardation, genital and ear anomalies; CHARGE association; Hall-Hittner syndrome. Identifiers: Orphanet 138, MedGen C0265354, MONDO:0008965.

gnomAD v4.1: 1 of 1,608,628 alleles (0.000062%); highest among the groups gnomAD compares: Admixed American, 0.0017%; no homozygotes.

Submissions (3):

PreventionGenetics, part of Exact Sciences
Classification: Uncertain significance for CHD7-related condition. Last evaluated: 2026-07-23. Review status: criteria provided, single submitter. Criteria: ACMG Guidelines, 2015. Collection method: clinical testing. Allele origin: germline.
Comment: The CHD7 c.7171G>T variant is predicted to result in the amino acid substitution p.Ala2391Ser. To our knowledge, this variant has not been reported in the literature. This variant is reported in 0.0030% of alleles in individuals of Latino descent in gnomAD. At this time, the clinical significance of this variant is uncertain due to the absence of conclusive functional and genetic evidence.

Fulgent Genetics
Classification: Uncertain significance for CHD7-related CHARGE syndrome; Hypogonadotropic hypogonadism 5 with or without anosmia. Last evaluated: 2024-01-23. Review status: criteria provided, single submitter. Criteria: ACMG Guidelines, 2015. Collection method: clinical testing. Allele origin: germline.

Labcorp Genetics (formerly Invitae), Labcorp
Classification: Likely benign for CHARGE syndrome. Last evaluated: 2023-07-27. Review status: criteria provided, single submitter. Criteria: Invitae Variant Classification Sherloc (09022015). Collection method: clinical testing. Allele origin: germline.